The following is an entry in ClinVar:

ClinVar aggregate classification (germline): Likely pathogenic (1 of 4 stars; one submission).

Conditions:
DNAH17-related disorder. Also called: DNAH17-related condition.

Submission:

PreventionGenetics, part of Exact Sciences
Classification: Likely pathogenic for DNAH17-related condition. Last evaluated: 2023-06-08. Review status: criteria provided, single submitter. Criteria: ACMG Guidelines, 2015. Collection method: clinical testing. Allele origin: germline.
Comment: The DNAH17 c.12390dupC variant is predicted to result in a frameshift and premature protein termination (p.Asn4131Glnfs*13). To our knowledge, this variant has not been reported in the literature. This variant is reported in 0.0062% of alleles in individuals of African descent in gnomAD. Frameshift variants in DNAH17 are expected to be pathogenic. This variant is interpreted as likely pathogenic.

NM_173628.4(DNAH17):c.12390dup (p.Asn4131fs)

Gene: DNAH17 (dynein axonemal heavy chain 17; minus strand). Cytogenetic location: 17q25.3.
Variant type: Duplication.
Coding change: c.12390dup on transcript NM_173628.4 (MANE Select); coding-DNA position 12390, one base duplicated (C; older notation c.12390dupC).
Protein change: p.Asn4131fs; shifts the reading frame from asparagine 4131.
Molecular consequence: frameshift variant.
Genome position (GRCh38, 1-based): chr17:78,429,136, G duplicated on the plus strand (C on the coding strand, the reverse complement: DNAH17 is on the minus strand); the first of 7 consecutive G bases (chr17:78,429,136-78,429,142); duplicating any one gives the same sequence. VCF-style (leftmost placement, unchanged base first): chr17-78429135-T-TG. GRCh37 (hg19) VCF-style: chr17-76425216-T-TG.
Other names: short protein forms N4131fs.
Identifiers: ClinVar variation 2634755 (VCV002634755.1), dbSNP rs757601640, ClinGen allele CA8800068.